The following is an entry in ClinVar:

ClinVar aggregate classification (germline): Pathogenic (1 of 4 stars; one submission).

Conditions:
Familial adenomatous polyposis 1 (FAP1). Also called: POLYPOSIS, ADENOMATOUS INTESTINAL; FAMILIAL ADENOMATOUS POLYPOSIS 1, ATTENUATED. Identifiers: MedGen C2713442, MONDO:0021056, OMIM 175100. Disease mechanism: loss of function.

Submission:

Myriad Genetics, Inc.
Classification: Pathogenic for Familial adenomatous polyposis 1. Last evaluated: 2023-05-15. Review status: criteria provided, single submitter. Criteria: Myriad Autosomal Dominant, Autosomal Recessive and X-Linked Classification Criteria (2023). Collection method: clinical testing. Allele origin: unknown.
Comment: This variant is considered pathogenic. This variant creates a frameshift predicted to result in premature protein truncation.

NM_000038.6(APC):c.6360_6377delinsAA (p.Ala2121fs)

Gene: APC (APC regulator of Wnt signaling pathway; plus strand). Cytogenetic location: 5q22.2.
Variant type: Indel.
Coding change: c.6360_6377delinsAA on transcript NM_000038.6 (MANE Select); coding-DNA positions 6360 to 6377, TGCTGCATGTTTATCTAG replaced by AA.
Protein change: p.Ala2121fs; shifts the reading frame from alanine 2121.
Molecular consequence: frameshift variant. On other transcripts: non-coding transcript variant (2).
Genome position (GRCh38, 1-based): chr5:112,841,954-112,841,971, TGCTGCATGTTTATCTAG replaced by AA. VCF-style: chr5-112841954-TGCTGCATGTTTATCTAG-AA. GRCh37 (hg19) VCF-style: chr5-112177651-TGCTGCATGTTTATCTAG-AA.
Other names: c.6360_6377delinsAA, p.Ala2121fs (NM_001127510.3, NM_001354895.2, NM_001407450.1); c.6306_6323delinsAA, p.Ala2103fs (NM_001127511.3); c.6414_6431delinsAA, p.Ala2139fs (NM_001354896.2, NM_001407447.1, NM_001407448.1 and 1 more transcripts); c.6390_6407delinsAA, p.Ala2131fs (NM_001354897.2); c.6285_6302delinsAA, p.Ala2096fs (NM_001354898.2); c.6276_6293delinsAA, p.Ala2093fs (NM_001354899.2); c.6237_6254delinsAA, p.Ala2080fs (NM_001354900.2); c.6183_6200delinsAA, p.Ala2062fs (NM_001354901.2, NM_001407453.1); and 11 more; short protein forms A1737fs, A1838fs, A1961fs, A1992fs, A1995fs, A2020fs, A2030fs, A2038fs.
Identifiers: ClinVar variation 2583732 (VCV002583732.1), dbSNP rs2533708938, ClinGen allele CA2582341608.
Genomic context (GRCh38, chr5:112,841,954, plus strand): 5'-TTGGAAAGCTATTCAGGAAGGTGCAAATTCCATAGTAAGTAGTTTACATCAAGCTGCTGC[TGCTGCATGTTTATCTAG>AA]ACAAGCTTCGTCTGATTCAGATTCCATCCTTTCCCTGAAATCAGGAATCTCTCTGGGATC-3'